The following is an entry in ClinVar:

ClinVar aggregate classification (germline): Uncertain significance (1 of 4 stars; one submission).

Conditions:
Spermatogenic failure 18. Identifiers: MedGen C4539783, MONDO:0054615, OMIM 617576.
Ciliary dyskinesia, primary, 37 (CILD37). Also called: CILIARY DYSKINESIA, PRIMARY, 37, WITH OR WITHOUT SITUS INVERSUS. Identifiers: MedGen C4539798, MONDO:0033204, OMIM 617577.

Submission:

Labcorp Genetics (formerly Invitae), Labcorp
Classification: Uncertain significance for Ciliary dyskinesia, primary, 37; Spermatogenic failure 18. Last evaluated: 2024-02-23. Review status: criteria provided, single submitter. Criteria: Invitae Variant Classification Sherloc (09022015). Collection method: clinical testing. Allele origin: germline.
Comment: This sequence change replaces proline, which is neutral and non-polar, with leucine, which is neutral and non-polar, at codon 1351 of the DNAH1 protein (p.Pro1351Leu). This variant is not present in population databases (gnomAD no frequency). This variant has not been reported in the literature in individuals affected with DNAH1-related conditions. Advanced modeling of protein sequence and biophysical properties (such as structural, functional, and spatial information, amino acid conservation, physicochemical variation, residue mobility, and thermodynamic stability) performed at Invitae indicates that this missense variant is not expected to disrupt DNAH1 protein function with a negative predictive value of 80%. In summary, the available evidence is currently insufficient to determine the role of this variant in disease. Therefore, it has been classified as a Variant of Uncertain Significance.

NM_015512.5(DNAH1):c.4052C>T (p.Pro1351Leu)

Gene: DNAH1 (dynein axonemal heavy chain 1; plus strand). Cytogenetic location: 3p21.1.
Variant type: single nucleotide variant.
Coding change: c.4052C>T on transcript NM_015512.5 (MANE Select); coding-DNA position 4052, C replaced by T.
Protein change: p.Pro1351Leu; replaces proline 1351 with leucine.
Molecular consequence: missense variant.
Genome position (GRCh38, 1-based): chr3:52,357,969, C>T. VCF-style: chr3-52357969-C-T. GRCh37 (hg19) VCF-style: chr3-52391985-C-T.
Other names: short protein forms P1351L.
Identifiers: ClinVar variation 2952546 (VCV002952546.3), dbSNP rs2471200361, ClinGen allele CA353124004.